The following is an entry in ClinVar:

NM_001009944.3(PKD1):c.5953G>A (p.Ala1985Thr)

Gene: PKD1 (polycystin 1, transient receptor potential channel interacting; minus strand). Cytogenetic location: 16p13.3.
Variant type: single nucleotide variant.
Coding change: c.5953G>A on transcript NM_001009944.3 (MANE Select); coding-DNA position 5953, G replaced by A.
Protein change: p.Ala1985Thr; replaces alanine 1985 with threonine.
Molecular consequence: missense variant.
Genome position (GRCh38, 1-based): chr16:2,109,214, C>T on the plus strand (G>A on the coding strand, the complement: PKD1 is on the minus strand). VCF-style: chr16-2109214-C-T. GRCh37 (hg19) VCF-style: chr16-2159215-C-T.
Other names: c.5953G>A, p.Ala1985Thr (NM_000296.4); short protein forms A1985T.
Identifiers: ClinVar variation 599150 (VCV000599150.4), dbSNP rs771005067, ClinGen allele CA394374930.

ClinVar aggregate classification (germline): Uncertain significance. Review status: criteria provided, single submitter (1 of 4 stars). 2 submissions from 2 submitters: Uncertain significance (1). 1 of the submissions does not count toward it. Last evaluated 2022-08-03.

Conditions:
Polycystic kidney disease, adult type (PKD1). Also called: Polycystic Kidney Disease 1, Autosomal Dominant; Polycystic kidney disease 1; Polycystic kidney disease 1, severe; POLYCYSTIC KIDNEY DISEASE 1 WITH OR WITHOUT POLYCYSTIC LIVER DISEASE; POLYCYSTIC KIDNEY DISEASE, ADULT, TYPE I; Polycystic Kidney, Autosomal Dominant. Identifiers: MedGen C3149841, MONDO:0008263, OMIM 173900.

gnomAD v4.1: 3 of 1,593,980 alleles (0.00019%); highest among the groups gnomAD compares: Non-Finnish European, 0.00026%; no homozygotes.

Submissions (2):

MGZ Medical Genetics Center
Classification: Uncertain significance for Polycystic kidney disease, adult type. Last evaluated: 2022-08-03. Review status: criteria provided, single submitter. Criteria: ACMG Guidelines, 2015. Collection method: clinical testing. Allele origin: germline. Affected: yes. Observed: 1 variant allele.
Comment: ACMG criteria applied: PM2_SUP

Bioscientia Institut fuer Medizinische Diagnostik GmbH, Sonic Healthcare
Classification: Uncertain significance for Polycystic kidney disease, adult type. Last evaluated: 2018-07-17. Review status: no assertion criteria provided. Collection method: clinical testing. Allele origin: germline. Affected: yes. Not counted in ClinVar's aggregate classification.